The following is an entry in ClinVar:

ClinVar aggregate classification (germline): Benign/Likely benign. Review status: criteria provided, multiple submitters, no conflicts (2 of 4 stars). 4 submissions from 4 submitters: Benign (1); Likely benign (3). Last evaluated 2026-02-01.

Conditions:
Inborn genetic diseases. Identifiers: MedGen C0950123, MeSH D030342.

Allele frequency attached by ClinVar (database versions not stated): gnomAD exomes 0.00082; ExAC 0.00094; ESP Exome Variant Server 0.00146; 1000 Genomes Project 30x 0.00312; TOPMed 0.00390; 1000 Genomes Project 0.00399; gnomAD 0.00421.

Submissions (4):

CeGaT Center for Human Genetics Tuebingen
Classification: Likely benign. Last evaluated: 2026-02-01. Review status: criteria provided, single submitter. Criteria: CeGaT Center For Human Genetics Tuebingen Variant Classification Criteria Version 2. Collection method: clinical testing. Allele origin: germline. Affected: yes. Observed: 2 variant alleles.
Comment: SHANK3: BP4, BP7, BS1

Blueprint Genetics
Classification: Likely benign. Last evaluated: 2024-08-06. Review status: criteria provided, single submitter. Criteria: ACMG Guidelines, 2015. Collection method: clinical testing. Allele origin: germline.

GeneDx
Classification: Likely benign. Last evaluated: 2021-03-04. Review status: criteria provided, single submitter. Criteria: GeneDx Variant Classification Process June 2021. Collection method: clinical testing. Allele origin: germline. Affected: yes.

Ambry Genetics
Classification: Benign for Inborn genetic diseases. Last evaluated: 2016-06-21. Review status: criteria provided, single submitter. Criteria: Ambry Variant Classification Scheme 2023. Collection method: clinical testing. Allele origin: germline.

NM_001372044.2(SHANK3):c.3372C>T (p.Pro1124=)

Gene: SHANK3 (SH3 and multiple ankyrin repeat domains 3; plus strand). Cytogenetic location: 22q13.33.
Variant type: single nucleotide variant.
Coding change: c.3372C>T on transcript NM_001372044.2 (MANE Select); coding-DNA position 3372, C replaced by T.
Protein change: p.Pro1124=; no amino-acid change (proline 1124 retained).
Molecular consequence: synonymous variant.
Genome position (GRCh38, 1-based): chr22:50,720,980, C>T. VCF-style: chr22-50720980-C-T. GRCh37 (hg19) VCF-style: chr22-51159408-C-T.
Other names: c.3147C>T, p.Pro1049= (NM_033517.1).
Identifiers: ClinVar variation 587951 (VCV000587951.13), dbSNP rs200572899, ClinGen allele CA10325963.
Genomic context (GRCh38, chr22:50,720,980, plus strand): 5'-CCTGTCCGTGGGGGCCATCGAGGGCAGCGCCCCCGGCGCGGATCTGCCATCCCTACAGCC[C>T]TCCCGCTCCATCGACGAGCGCCTCCTGGGGACCGGCCCCACCGCCGGCCGCGACCTGCTG-3'
Protein context (NP_001358973.1, residues 1114-1134): APGADLPSLQ[Pro1124=]SRSIDERLLG